The following is an entry in ClinVar:

ClinVar aggregate classification (germline): Uncertain significance (1 of 4 stars; one submission).

Conditions:
Severe myoclonic epilepsy in infancy (DRVT). Also called: Dravet syndrome; Epileptic encephalopathy, early infantile, 6 (Dravet syndrome); SEVERE MYOCLONIC EPILEPSY OF INFANCY; DEVELOPMENTAL AND EPILEPTIC ENCEPHALOPATHY 6A; Severe Myoclonic Epilepsy in Infancy (SMEI). Identifiers: Orphanet 33069, MedGen C0751122, MONDO:0100135, OMIM 607208.

Submission:

Labcorp Genetics (formerly Invitae), Labcorp
Classification: Uncertain significance for Severe myoclonic epilepsy in infancy. Last evaluated: 2022-10-05. Review status: criteria provided, single submitter. Criteria: Invitae Variant Classification Sherloc (09022015). Collection method: clinical testing. Allele origin: germline.
Comment: This sequence change results in a frameshift in the SNX27 gene (p.Lys525Argfs*8). While this is not anticipated to result in nonsense mediated decay, it is expected to disrupt the last 4 amino acid(s) of the SNX27 protein and extend the protein by 3 additional amino acid residues. This variant is not present in population databases (gnomAD no frequency). This variant has not been reported in the literature in individuals affected with SNX27-related conditions. Experimental studies and prediction algorithms are not available or were not evaluated, and the functional significance of this variant is currently unknown. In summary, the available evidence is currently insufficient to determine the role of this variant in disease. Therefore, it has been classified as a Variant of Uncertain Significance.

NM_001330723.2(SNX27):c.1574_1575del (p.Lys525fs)

Gene: SNX27 (sorting nexin 27; plus strand). Cytogenetic location: 1q21.3.
Variant type: Deletion.
Coding change: c.1574_1575del on transcript NM_001330723.2 (MANE Select); coding-DNA positions 1574 to 1575, 2 bases deleted (AA; older notation c.1574_1575delAA).
Protein change: p.Lys525fs; shifts the reading frame from lysine 525.
Molecular consequence: frameshift variant.
Genome position (GRCh38, 1-based): chr1:151,693,479-151,693,480, AA deleted; deleting any 2 consecutive bases within chr1:151,693,477-151,693,480 gives the same sequence; the c. name uses the placement nearest the transcript's 3' end. VCF-style (leftmost placement, unchanged base first): chr1-151693476-GAA-G. GRCh37 (hg19) VCF-style: chr1-151665952-GAA-G.
Other names: c.1574_1575del, p.Lys525fs (NM_030918.6); short protein forms K525fs.
Identifiers: ClinVar variation 1936286 (VCV001936286.2), dbSNP rs1671555899, ClinGen allele CA2479691052.